The following is an entry in ClinVar:

ClinVar aggregate classification (germline): Uncertain significance (1 of 4 stars; one submission).

Submission:

Ambry Genetics
Classification: Uncertain significance. Last evaluated: 2025-08-25. Review status: criteria provided, single submitter. Criteria: Ambry Variant Classification Scheme 2023. Collection method: clinical testing. Allele origin: germline.
Comment: The p.K384Q variant (also known as c.1150A>C), located in coding exon 9 of the FAM175A gene, results from an A to C substitution at nucleotide position 1150. The lysine at codon 384 is replaced by glutamine, an amino acid with similar properties. This amino acid position is conserved. In addition, this alteration is predicted to be tolerated by in silico analysis. Since supporting evidence is limited at this time, the clinical significance of this alteration remains unclear.

NM_139076.3(ABRAXAS1):c.1150A>C (p.Lys384Gln)

Gene: ABRAXAS1 (abraxas 1, BRCA1 A complex subunit; minus strand). Cytogenetic location: 4q21.23.
Variant type: single nucleotide variant.
Coding change: c.1150A>C on transcript NM_139076.3 (MANE Select); coding-DNA position 1150, A replaced by C.
Protein change: p.Lys384Gln; replaces lysine 384 with glutamine.
Molecular consequence: missense variant.
Genome position (GRCh38, 1-based): chr4:83,462,549, T>G on the plus strand (A>C on the coding strand, the complement: ABRAXAS1 is on the minus strand). VCF-style: chr4-83462549-T-G. GRCh37 (hg19) VCF-style: chr4-84383702-T-G.
Other names: c.823A>C, p.Lys275Gln (NM_001345962.2); short protein forms K275Q, K384Q.
Identifiers: ClinVar variation 1799721 (VCV001799721.3), dbSNP rs1471089706, ClinGen allele CA357255025.